The following is an entry in ClinVar:

ClinVar aggregate classification (germline): Pathogenic/Likely pathogenic. Review status: criteria provided, multiple submitters, no conflicts (2 of 4 stars). 2 submissions from 2 submitters: Pathogenic (1); Likely pathogenic (1). Last evaluated 2025-03-21.

Conditions:
Trimethylaminuria (TMAU). Also called: Primary Trimethylaminuria; Fish malodor syndrome; Stale fish syndrome; TMAuria; FISH-ODOR SYNDROME. Identifiers: MedGen C0342739, MONDO:0011182, OMIM 602079, HP:0003614. Disease mechanism: loss of function.

Submissions (2):

Myriad Genetics, Inc.
Classification: Pathogenic for Trimethylaminuria. Last evaluated: 2025-03-21. Review status: criteria provided, single submitter. Criteria: Myriad Autosomal Dominant, Autosomal Recessive and X-Linked Classification Criteria (2023). Collection method: clinical testing. Allele origin: unknown.
Comment: NM_001002294.2(FMO3):c.375G>A(W125*) is expected to be pathogenic in the context of primary trimethylaminuria. This variant is predicted to lead to an abnormal or absent protein product due to the creation of a premature termination codon in FMO3, a gene where loss-of-function variants are known to be pathogenic. Please note: this variant was assessed in the context of healthy population screening.

Fulgent Genetics
Classification: Likely pathogenic for Trimethylaminuria. Last evaluated: 2024-06-01. Review status: criteria provided, single submitter. Criteria: ACMG Guidelines, 2015. Collection method: clinical testing. Allele origin: germline.

NM_001002294.3(FMO3):c.375G>A (p.Trp125Ter)

Genes: FMO3 (flavin containing dimethylaniline monoxygenase 3; plus strand), LOC126805916 (BRD4-independent group 4 enhancer GRCh37_chr1:171076844-171078043; plus strand). Cytogenetic location: 1q24.3.
Variant type: single nucleotide variant.
Coding change: c.375G>A on transcript NM_001002294.3 (MANE Select); coding-DNA position 375, G replaced by A.
Protein change: p.Trp125Ter; replaces tryptophan 125 with a stop codon.
Molecular consequence: nonsense.
Genome position (GRCh38, 1-based): chr1:171,107,728, G>A. VCF-style: chr1-171107728-G-A. GRCh37 (hg19) VCF-style: chr1-171076869-G-A.
Other names: c.315G>A, p.Trp105Ter (NM_001319173.2); c.186G>A, p.Trp62Ter (NM_001319174.2); c.375G>A, p.Trp125Ter (NM_006894.6); short protein forms W105*, W125*, W62*.
Identifiers: ClinVar variation 3573955 (VCV003573955.2).